The following is an entry in ClinVar:

NM_030916.3(NECTIN4):c.255A>C (p.Lys85Asn)

Gene: NECTIN4 (nectin cell adhesion molecule 4; minus strand). Cytogenetic location: 1q23.3.
Variant type: single nucleotide variant.
Coding change: c.255A>C on transcript NM_030916.3 (MANE Select); coding-DNA position 255, A replaced by C.
Protein change: p.Lys85Asn; replaces lysine 85 with asparagine.
Molecular consequence: missense variant.
Genome position (GRCh38, 1-based): chr1:161,079,774, T>G on the plus strand (A>C on the coding strand, the complement: NECTIN4 is on the minus strand). VCF-style: chr1-161079774-T-G. GRCh37 (hg19) VCF-style: chr1-161049564-T-G.
Other names: short protein forms K85N.
Identifiers: ClinVar variation 2139019 (VCV002139019.1), dbSNP rs556101874, ClinGen allele CA1205134.

ClinVar aggregate classification (germline): Uncertain significance (1 of 4 stars; one submission).

Allele frequency attached by ClinVar (database versions not stated): gnomAD exomes 0.00001; gnomAD 0.00003; TOPMed 0.00003; ExAC 0.00006; 1000 Genomes Project 30x 0.00031; 1000 Genomes Project 0.00040.
gnomAD v4.1: 27 of 1,612,878 alleles (0.0017%); highest among the groups gnomAD compares: East Asian, 0.049%; no homozygotes.

Submission:

Labcorp Genetics (formerly Invitae), Labcorp
Classification: Uncertain significance. Last evaluated: 2022-03-29. Review status: criteria provided, single submitter. Criteria: Invitae Variant Classification Sherloc (09022015). Collection method: clinical testing. Allele origin: germline.
Comment: This sequence change replaces lysine, which is basic and polar, with asparagine, which is neutral and polar, at codon 85 of the NECTIN4 protein (p.Lys85Asn). This variant is present in population databases (rs556101874, gnomAD 0.09%). This variant has not been reported in the literature in individuals affected with NECTIN4-related conditions. Algorithms developed to predict the effect of missense changes on protein structure and function are either unavailable or do not agree on the potential impact of this missense change (SIFT: "Deleterious"; PolyPhen-2: "Benign"; Align-GVGD: "Class C0"). In summary, the available evidence is currently insufficient to determine the role of this variant in disease. Therefore, it has been classified as a Variant of Uncertain Significance.